The following is an entry in ClinVar:

NM_182915.3(STEAP3):c.205C>T (p.Arg69Cys)

Genes: STEAP3 (STEAP3 metalloreductase; plus strand), STEAP3-AS1 (STEAP3 antisense RNA 1; minus strand). Cytogenetic location: 2q14.2.
Variant type: single nucleotide variant.
Coding change: c.205C>T on transcript NM_182915.3 (MANE Select); coding-DNA position 205, C replaced by T.
Protein change: p.Arg69Cys; replaces arginine 69 with cysteine.
Molecular consequence: missense variant. On other transcripts: non-coding transcript variant (1).
Genome position (GRCh38, 1-based): chr2:119,245,671, C>T. VCF-style: chr2-119245671-C-T. GRCh37 (hg19) VCF-style: chr2-120003247-C-T.
Other names: c.175C>T, p.Arg59Cys (NM_001008410.2, NM_018234.3, NM_138637.3); short protein forms R59C, R69C.
Identifiers: ClinVar variation 4082252 (VCV004082252.1).

ClinVar aggregate classification (germline): Uncertain significance (1 of 4 stars; one submission).

Conditions:
Severe congenital hypochromic anemia with ringed sideroblasts. Also called: Hypochromic microcytic anemia with iron overload 2. Identifiers: Orphanet 300298, MedGen C3808920, MONDO:0014094, OMIM 615234.

Submission:

Department of Traditional Chinese Medicine, Fujian Provincial Hospital
Classification: Uncertain significance for Severe congenital hypochromic anemia with ringed sideroblasts. Review status: criteria provided, single submitter. Criteria: ACMG Guidelines, 2015. Collection method: research. Allele origin: inherited.
Comment: The mutation site c.205C>T was found in patients with jaundice by Next-generation sequencing. According to ACMG guidelines, the mutation was in line with PM2_Supporting (Absent from controls in Exome Sequencing Project, 1000 Genomes or ExAC.) and PP1 (Co-segregation with disease in multiple affected family members in a gene definitively known to cause the disease.), therefore, this mutation point is regarded as being of unclear significance.

Literature cited by the submitters: PubMed 22031863.